The following is an entry in ClinVar:

NM_014806.5(RUSC2):c.3034G>T (p.Gly1012Cys)

Gene: RUSC2 (RUN and SH3 domain containing 2; plus strand). Cytogenetic location: 9p13.3.
Variant type: single nucleotide variant.
Coding change: c.3034G>T on transcript NM_014806.5 (MANE Select); coding-DNA position 3034, G replaced by T.
Protein change: p.Gly1012Cys; replaces glycine 1012 with cysteine.
Molecular consequence: missense variant. On other transcripts: non-coding transcript variant (1).
Genome position (GRCh38, 1-based): chr9:35,557,964, G>T. VCF-style: chr9-35557964-G-T. GRCh37 (hg19) VCF-style: chr9-35557961-G-T.
Other names: c.3034G>T, p.Gly1012Cys (NM_001135999.2); c.400G>T, p.Gly134Cys (NM_001330740.2); short protein forms G134C, G1012C.
Identifiers: ClinVar variation 1437408 (VCV001437408.4), dbSNP rs76401700, ClinGen allele CA192756335.
Genomic context (GRCh38, chr9:35,557,964, plus strand): 5'-TTCCCTGCAGGGCTGGTAAAAGCTGTTAACATCGCTGTGGACCTCATTGTGGCTCATTTT[G>T]GCACAAGCCGGGATCCCGGGGTGAAGGTAGGCAAGGAAATGTGGAGAGCTGAGCTCTGCC-3'
Protein context (NP_055621.2, residues 1002-1022): IAVDLIVAHF[Gly1012Cys]TSRDPGVKAK

ClinVar aggregate classification (germline): Uncertain significance. Review status: criteria provided, multiple submitters, no conflicts (2 of 4 stars). 2 submissions from 2 submitters: Uncertain significance (2). Last evaluated 2024-08-22.

Allele frequency attached by ClinVar (database versions not stated): gnomAD 0.00001; gnomAD exomes 0.00001 and 0.00002; TOPMed 0.00001.
gnomAD v4.1: 34 of 1,614,046 alleles (0.0021%); highest among the groups gnomAD compares: Non-Finnish European, 0.0029%; no homozygotes.

Submissions (2):

Blueprint Genetics
Classification: Uncertain significance. Last evaluated: 2024-08-22. Review status: criteria provided, single submitter. Criteria: ACMG Guidelines, 2015. Collection method: clinical testing. Allele origin: germline.

Labcorp Genetics (formerly Invitae), Labcorp
Classification: Uncertain significance. Last evaluated: 2022-10-17. Review status: criteria provided, single submitter. Criteria: Invitae Variant Classification Sherloc (09022015). Collection method: clinical testing. Allele origin: germline.
Comment: This sequence change replaces glycine, which is neutral and non-polar, with cysteine, which is neutral and slightly polar, at codon 1012 of the RUSC2 protein (p.Gly1012Cys). This variant is present in population databases (rs76401700, gnomAD 0.002%). This variant has not been reported in the literature in individuals affected with RUSC2-related conditions. ClinVar contains an entry for this variant (Variation ID: 1437408). Algorithms developed to predict the effect of missense changes on protein structure and function (SIFT, PolyPhen-2, Align-GVGD) all suggest that this variant is likely to be disruptive. In summary, the available evidence is currently insufficient to determine the role of this variant in disease. Therefore, it has been classified as a Variant of Uncertain Significance.